The following is an entry in ClinVar:

ClinVar aggregate classification (germline): Uncertain significance (1 of 4 stars; one submission).

Conditions:
POLD1-related polyposis and colorectal cancer syndrome (CRCS10). Also called: Colorectal cancer, susceptibility to, 10; Colorectal cancer 10; COLORECTAL CANCER, SUSCEPTIBILITY TO, ON CHROMOSOME 19q. Identifiers: Orphanet 220460, MedGen C2675481, MONDO:0012953, OMIM 612591.

Submission:

Labcorp Genetics (formerly Invitae), Labcorp
Classification: Uncertain significance for POLD1-related polyposis and colorectal cancer syndrome. Last evaluated: 2020-10-27. Review status: criteria provided, single submitter. Criteria: Invitae Variant Classification Sherloc (09022015). Collection method: clinical testing. Allele origin: germline.
Comment: This sequence change replaces phenylalanine with leucine at codon 794 of the POLD1 protein (p.Phe794Leu). The phenylalanine residue is highly conserved and there is a small physicochemical difference between phenylalanine and leucine. This variant is not present in population databases (ExAC no frequency). This variant has not been reported in the literature in individuals with POLD1-related conditions. Algorithms developed to predict the effect of missense changes on protein structure and function are either unavailable or do not agree on the potential impact of this missense change (SIFT: "Deleterious"; PolyPhen-2: "Probably Damaging"; Align-GVGD: "Class C0"). In summary, the available evidence is currently insufficient to determine the role of this variant in disease. Therefore, it has been classified as a Variant of Uncertain Significance.

NM_002691.4(POLD1):c.2382T>G (p.Phe794Leu)

Gene: POLD1 (DNA polymerase delta 1, catalytic subunit; plus strand). Cytogenetic location: 19q13.33.
Variant type: single nucleotide variant.
Coding change: c.2382T>G on transcript NM_002691.4 (MANE Select); coding-DNA position 2382, T replaced by G.
Protein change: p.Phe794Leu; replaces phenylalanine 794 with leucine.
Molecular consequence: missense variant. On other transcripts: non-coding transcript variant (1).
Genome position (GRCh38, 1-based): chr19:50,413,873, T>G. VCF-style: chr19-50413873-T-G. GRCh37 (hg19) VCF-style: chr19-50917130-T-G.
Other names: c.2382T>G, p.Phe794Leu (NM_001256849.1); c.2460T>G, p.Phe820Leu (NM_001308632.1); short protein forms F794L, F820L.
Identifiers: ClinVar variation 1062282 (VCV001062282.9), dbSNP rs2122451694, ClinGen allele CA406984410.